The following is an entry in ClinVar:

ClinVar aggregate classification (germline): Uncertain significance (1 of 4 stars; one submission).

Conditions:
Renal cell carcinoma. Identifiers: Orphanet 217071, MedGen C0007134, MeSH D002292, MONDO:0005086, HP:0005584.

Submission:

Labcorp Genetics (formerly Invitae), Labcorp
Classification: Uncertain significance for Renal cell carcinoma. Last evaluated: 2023-10-11. Review status: criteria provided, single submitter. Criteria: Invitae Variant Classification Sherloc (09022015). Collection method: clinical testing. Allele origin: germline.
Comment: This sequence change replaces aspartic acid, which is acidic and polar, with asparagine, which is neutral and polar, at codon 1394 of the MET protein (p.Asp1394Asn). This variant is not present in population databases (gnomAD no frequency). This variant has not been reported in the literature in individuals affected with MET-related conditions. Algorithms developed to predict the effect of missense changes on protein structure and function output the following: SIFT: "Not Available"; PolyPhen-2: "Benign"; Align-GVGD: "Not Available". The asparagine amino acid residue is found in multiple mammalian species, which suggests that this missense change does not adversely affect protein function. In summary, the available evidence is currently insufficient to determine the role of this variant in disease. Therefore, it has been classified as a Variant of Uncertain Significance.

NM_000245.4(MET):c.4126G>A (p.Asp1376Asn)

Gene: MET (MET proto-oncogene, receptor tyrosine kinase; plus strand). Cytogenetic location: 7q31.2.
Variant type: single nucleotide variant.
Coding change: c.4126G>A on transcript NM_000245.4 (MANE Select); coding-DNA position 4126, G replaced by A.
Protein change: p.Asp1376Asn; replaces aspartic acid 1376 with asparagine.
Molecular consequence: missense variant.
Genome position (GRCh38, 1-based): chr7:116,796,077, G>A. VCF-style: chr7-116796077-G-A. GRCh37 (hg19) VCF-style: chr7-116436131-G-A.
Other names: c.4180G>A, p.Asp1394Asn (NM_001127500.3); c.2836G>A, p.Asp946Asn (NM_001324402.2); short protein forms D1394N, D1376N, D946N.
Identifiers: ClinVar variation 2767674 (VCV002767674.3), dbSNP rs2117113388, ClinGen allele CA369118444.